The following is an entry in ClinVar:

ClinVar aggregate classification (germline): Likely benign. Review status: criteria provided, multiple submitters, no conflicts (2 of 4 stars). 2 submissions from 2 submitters: Likely benign (2). Last evaluated 2024-09-30.

Conditions:
Familial hypercholesterolemia. Also called: Familial hypercholesterolaemia. Identifiers: MedGen C0020445, MONDO:0005439.
Cardiovascular phenotype. Identifiers: MedGen CN230736.

Allele frequency attached by ClinVar (database versions not stated): TOPMed below 0.00001; gnomAD 0.00001; gnomAD exomes 0.00001.
gnomAD v4.1: 9 of 1,613,944 alleles (0.00056%); highest among the groups gnomAD compares: Admixed American, 0.0017%; no homozygotes.

Submissions (2):

GENinCode PLC
Classification: Likely benign for Familial hypercholesterolemia. Last evaluated: 2024-09-30. Review status: criteria provided, single submitter. Criteria: ACMG Guidelines, 2015. Collection method: clinical testing. Allele origin: germline.
Comment: This is a synonymous (silent) variant that is not predicted by SpliceAI to impact splicing. In addition, it occurs at a nucleotide that is not conserved. Therefore this variant has been classified as Likely Benign (BP4, BP7).

Ambry Genetics
Classification: Likely benign for Cardiovascular phenotype. Last evaluated: 2021-09-20. Review status: criteria provided, single submitter. Criteria: Ambry Variant Classification Scheme 2023. Collection method: clinical testing. Allele origin: germline.

NM_000384.3(APOB):c.13590A>G (p.Thr4530=)

Genes: APOB (apolipoprotein B; minus strand), APOB3'MAR (APOB 3' scaffold/matrix attachment region; plus strand). Cytogenetic location: 2p24.1.
Variant type: single nucleotide variant.
Coding change: c.13590A>G on transcript NM_000384.3 (MANE Select); coding-DNA position 13590, A replaced by G.
Protein change: p.Thr4530=; no amino-acid change (threonine 4530 retained).
Molecular consequence: synonymous variant.
Genome position (GRCh38, 1-based): chr2:21,001,832, T>C on the plus strand (A>G on the coding strand, the complement: APOB is on the minus strand). VCF-style: chr2-21001832-T-C. GRCh37 (hg19) VCF-style: chr2-21224704-T-C.
Identifiers: ClinVar variation 1770752 (VCV001770752.3), dbSNP rs1208833496, ClinGen allele CA425341612.